The following is an entry in ClinVar:

NM_006648.4(WNK2):c.5422G>A (p.Asp1808Asn)

Gene: WNK2 (WNK lysine deficient protein kinase 2; plus strand). Cytogenetic location: 9q22.31.
Variant type: single nucleotide variant.
Coding change: c.5422G>A on transcript NM_006648.4 (MANE Select); coding-DNA position 5422, G replaced by A.
Protein change: p.Asp1808Asn; replaces aspartic acid 1808 with asparagine.
Molecular consequence: missense variant.
Genome position (GRCh38, 1-based): chr9:93,292,887, G>A. VCF-style: chr9-93292887-G-A. GRCh37 (hg19) VCF-style: chr9-96055169-G-A.
Other names: c.5533G>A, p.Asp1845Asn (NM_001282394.3); short protein forms D1845N, D1808N.
Identifiers: ClinVar variation 3470463 (VCV003470463.1).
Genomic context (GRCh38, chr9:93,292,887, plus strand): 5'-GTGCGGCGGGCGCAGACGGCCTCCTCCATCGAGGTCGGCGTGGGCGAGCCCGTGTCCAGC[G>A]ACTCTGGGGACGAGGGCCCTCGGGCGAGACCCCCGGTGCAGAAGCAGGCGTCCCTGCCCG-3'
Protein context (NP_006639.3, residues 1798-1818): EVGVGEPVSS[Asp1808Asn]SGDEGPRARP

ClinVar aggregate classification (germline): Uncertain significance (1 of 4 stars; one submission).

gnomAD v4.1: 10 of 1,513,820 alleles (0.00066%); highest among the groups gnomAD compares: African/African-American, 0.0028%; no homozygotes.

Submission:

Ambry Genetics
Classification: Uncertain significance. Last evaluated: 2024-11-26. Review status: criteria provided, single submitter. Criteria: Ambry Variant Classification Scheme 2023. Collection method: clinical testing. Allele origin: germline.
Comment: The p.D1808N variant (also known as c.5422G>A), located in coding exon 22 of the WNK2 gene, results from a G to A substitution at nucleotide position 5422. The aspartic acid at codon 1808 is replaced by asparagine, an amino acid with highly similar properties. This amino acid position is conserved. In addition, this alteration is predicted to be tolerated by in silico analysis. Based on the available evidence, the clinical significance of this variant remains unclear.